The following is an entry in ClinVar:

ClinVar aggregate classification (germline): Uncertain significance (1 of 4 stars; one submission).

Allele frequency attached by ClinVar (database versions not stated): gnomAD exomes below 0.00001.
gnomAD v4.1: 1 of 1,613,956 alleles (0.000062%); highest among the groups gnomAD compares: Non-Finnish European, 0.000085%; no homozygotes.

Submission:

GeneDx
Classification: Uncertain significance. Last evaluated: 2015-01-07. Review status: criteria provided, single submitter. Criteria: GeneDx Variant Classification (06012015). Collection method: clinical testing. Allele origin: germline. Affected: yes.
Comment: The Q510H variant has not been published as a mutation, nor has it been reported as a benign polymorphism to our knowledge. It was not observed in approximately 6,500 individuals of European and African American ancestry in the NHLBI Exome Sequencing Project, indicating it is not a common benign variant in these populations. The Q510 variant is a semi-conservative amino acid substitution, which may impact secondary protein structure as these residues differ in some properties. This substitution alters a conserved position predicted to be in the cytoplasmic loop between the first and second homologous domains. Therefore, based on the currently available information, it is unclear whether this variant is a pathogenic mutation or a rare benign variant.The variant is found in EPILEPSYV2-1 panel(s).

NM_001040142.2(SCN2A):c.1530G>T (p.Gln510His)

Gene: SCN2A (sodium voltage-gated channel alpha subunit 2; plus strand). Cytogenetic location: 2q24.3.
Variant type: single nucleotide variant.
Coding change: c.1530G>T on transcript NM_001040142.2 (MANE Select); coding-DNA position 1530, G replaced by T.
Protein change: p.Gln510His; replaces glutamine 510 with histidine.
Molecular consequence: missense variant.
Genome position (GRCh38, 1-based): chr2:165,315,617, G>T. VCF-style: chr2-165315617-G-T. GRCh37 (hg19) VCF-style: chr2-166172127-G-T.
Other names: p.Q510H:CAG>CAT; c.1530G>T, p.Gln510His (NM_001040143.2, NM_001371246.1, NM_001371247.1 and 1 more transcripts); short protein forms Q510H.
Identifiers: ClinVar variation 207089 (VCV000207089.2), dbSNP rs796053204, ClinGen allele CA318211.